The following is an entry in ClinVar:

ClinVar aggregate classification (germline): Uncertain significance. Review status: criteria provided, single submitter (1 of 4 stars). 2 submissions from 2 submitters: Uncertain significance (1). 1 of the submissions does not count toward it. Last evaluated 2018-12-24.

Conditions:
SOS1-related disorder. Also called: SOS1-related condition.

Allele frequency attached by ClinVar (database versions not stated): gnomAD exomes below 0.00001.
gnomAD v4.1: 2 of 1,601,066 alleles (0.00012%); highest among the groups gnomAD compares: South Asian, 0.0022%; no homozygotes.

Submissions (2):

Women's Health and Genetics/Laboratory Corporation of America, LabCorp
Classification: Uncertain significance. Last evaluated: 2018-12-24. Review status: criteria provided, single submitter. Criteria: LabCorp Variant Classification Summary - May 2015. Collection method: clinical testing. Allele origin: germline.
Comment: Variant summary: SOS1 c.2188G>T (p.Val730Phe) results in a non-conservative amino acid change located in the Ras-like guanine nucleotide exchange factor, N-terminal domain of the encoded protein sequence. Four of five in-silico tools predict a damaging effect of the variant on protein function. The variant was absent in 245818 control chromosomes. The available data on variant occurrences in the general population are insufficient to allow any conclusion about variant significance. To our knowledge, no occurrence of c.2188G>T in individuals affected with Noonan Syndrome and Related Conditions and no experimental evidence demonstrating its impact on protein function have been reported. No clinical diagnostic laboratories have submitted clinical-significance assessments for this variant to ClinVar after 2014. Based on the evidence outlined above, the variant was classified as uncertain significance.

PreventionGenetics, part of Exact Sciences
Classification: Uncertain significance for SOS1-related condition. Last evaluated: 2024-04-30. Review status: no assertion criteria provided. Collection method: clinical testing. Allele origin: germline. Not counted in ClinVar's aggregate classification.
Comment: The SOS1 c.2188G>T variant is predicted to result in the amino acid substitution p.Val730Phe. To our knowledge, this variant has not been reported in the literature or in a large population database, indicating this variant is rare. At this time, the clinical significance of this variant is uncertain due to the absence of conclusive functional and genetic evidence.

NM_005633.4(SOS1):c.2188G>T (p.Val730Phe)

Gene: SOS1 (SOS Ras/Rac guanine nucleotide exchange factor 1; minus strand). Cytogenetic location: 2p22.1.
Variant type: single nucleotide variant.
Coding change: c.2188G>T on transcript NM_005633.4 (MANE Select); coding-DNA position 2188, G replaced by T.
Protein change: p.Val730Phe; replaces valine 730 with phenylalanine.
Molecular consequence: missense variant.
Genome position (GRCh38, 1-based): chr2:39,012,328, C>A on the plus strand (G>T on the coding strand, the complement: SOS1 is on the minus strand). VCF-style: chr2-39012328-C-A. GRCh37 (hg19) VCF-style: chr2-39239469-C-A.
Other names: c.2167G>T, p.Val723Phe (NM_001382394.1); c.2188G>T, p.Val730Phe (NM_001382395.1); short protein forms V730F, V723F.
Identifiers: ClinVar variation 633004 (VCV000633004.2), dbSNP rs1558469016, ClinGen allele CA346364436.
Genomic context (GRCh38, chr2:39,012,328, plus strand): 5'-GACCTGGTCCATTGTCTCTTGCAATTTTTTTCCTTTGGATTATTTTAGTGATGGATTCAA[C>A]CCATTTTTTCATTGCTTTACCTGCAATACATTATATTTTAAATAACATTTAAATATTCTT-3'
Protein context (NP_005624.2, residues 720-740): TVRGKAMKKW[Val730Phe]ESITKIIQRK